The following is an entry in ClinVar:

NM_021625.5(TRPV4):c.58G>A (p.Gly20Arg)

Gene: TRPV4 (transient receptor potential cation channel subfamily V member 4; minus strand). Cytogenetic location: 12q24.11.
Variant type: single nucleotide variant.
Coding change: c.58G>A on transcript NM_021625.5 (MANE Select); coding-DNA position 58, G replaced by A.
Protein change: p.Gly20Arg; replaces glycine 20 with arginine.
Molecular consequence: missense variant.
Genome position (GRCh38, 1-based): chr12:109,814,739, C>T on the plus strand (G>A on the coding strand, the complement: TRPV4 is on the minus strand). VCF-style: chr12-109814739-C-T. GRCh37 (hg19) VCF-style: chr12-110252544-C-T.
Other names: c.58G>A, p.Gly20Arg (NM_001177428.2, NM_001177431.2, NM_001177433.2 and 1 more transcripts); short protein forms G20R.
Identifiers: ClinVar variation 449454 (VCV000449454.14), dbSNP rs764970185, ClinGen allele CA6780626.

ClinVar aggregate classification (germline): Conflicting classifications of pathogenicity. Review status: criteria provided, conflicting classifications (1 of 4 stars). 6 submissions from 6 submitters: Uncertain significance (4); Likely benign (1). 1 of the submissions does not count toward it. Last evaluated 2026-04-01.

Conditions:
Charcot-Marie-Tooth disease. Also called: Charcot-Marie-Tooth Neuropathy; Charcot-Marie-Tooth Hereditary Neuropathy. Identifiers: Orphanet 166, MedGen C0007959, MONDO:0015626.
Inborn genetic diseases. Identifiers: MedGen C0950123, MeSH D030342.
Charcot-Marie-Tooth disease axonal type 2C (HMSN2C). Also called: Charcot-Marie-Tooth Disease Type 2, TRPV4-Related (CMT2C); CHARCOT-MARIE-TOOTH DISEASE, AXONAL, AUTOSOMAL DOMINANT, TYPE 2C; Charcot-Marie-Tooth Neuropathy Type 2C. Identifiers: Orphanet 99937, MedGen C1853710, MONDO:0011633, OMIM 606071.

Allele frequency attached by ClinVar (database versions not stated): gnomAD 0.00001; TOPMed 0.00002; ExAC 0.00004; gnomAD exomes 0.00004.
gnomAD v4.1: 45 of 1,588,496 alleles (0.0028%); highest among the groups gnomAD compares: East Asian, 0.0046%; no homozygotes.

Submissions (6):

CeGaT Center for Human Genetics Tuebingen
Classification: Uncertain significance. Last evaluated: 2026-04-01. Review status: criteria provided, single submitter. Criteria: CeGaT Center For Human Genetics Tuebingen Variant Classification Criteria Version 2. Collection method: clinical testing. Allele origin: germline. Affected: yes. Observed: 1 variant allele.
Comment: TRPV4: PM2, PP3

Labcorp Genetics (formerly Invitae), Labcorp
Classification: Uncertain significance for Charcot-Marie-Tooth disease axonal type 2C. Last evaluated: 2025-02-19. Review status: criteria provided, single submitter. Criteria: Invitae Variant Classification Sherloc (09022015). Collection method: clinical testing. Allele origin: germline.
Comment: This sequence change replaces glycine, which is neutral and non-polar, with arginine, which is basic and polar, at codon 20 of the TRPV4 protein (p.Gly20Arg). This variant is present in population databases (rs764970185, gnomAD 0.007%). This missense change has been observed in individual(s) with distal hereditary motor neuropathy (PMID: 22851605). ClinVar contains an entry for this variant (Variation ID: 449454). Invitae Evidence Modeling of protein sequence and biophysical properties (such as structural, functional, and spatial information, amino acid conservation, physicochemical variation, residue mobility, and thermodynamic stability) indicates that this missense variant is not expected to disrupt TRPV4 protein function with a negative predictive value of 95%. In summary, the available evidence is currently insufficient to determine the role of this variant in disease. Therefore, it has been classified as a Variant of Uncertain Significance.

Athena Diagnostics
Classification: Uncertain significance. Last evaluated: 2024-06-13. Review status: criteria provided, single submitter. Criteria: Athena Diagnostics Criteria. Collection method: clinical testing. Allele origin: unknown.
Comment: Available data are insufficient to determine the clinical significance of the variant at this time. The frequency of this variant in the general population is higher than would generally be expected for pathogenic variants in this gene. Polyphen and MutationTaster predict this amino acid change may be benign.

Ambry Genetics
Classification: Uncertain significance for Inborn genetic diseases. Last evaluated: 2019-12-31. Review status: criteria provided, single submitter. Criteria: Ambry Variant Classification Scheme 2023. Collection method: clinical testing. Allele origin: germline.
Comment: The p.G20R variant (also known as c.58G>A), located in coding exon 1 of the TRPV4 gene, results from a G to A substitution at nucleotide position 58. The glycine at codon 20 is replaced by arginine, an amino acid with dissimilar properties. This amino acid position is not well conserved in available vertebrate species. In addition, the in silico prediction for this alteration is inconclusive. Her father had normal muscle strength but an EMG of the tibialis anterior showed occasional higher amplitude giant potentials, possibly indicative of chronic denervation and re-innervation. (Fawcett KA et al. J. Neurol. Neurosurg. Psychiatry, 2012 Dec;83:1204-9). Since supporting evidence is limited at this time, the clinical significance of this alteration remains unclear.

GeneDx
Classification: Likely benign. Last evaluated: 2018-01-17. Review status: criteria provided, single submitter. Criteria: GeneDx Variant Classification (06012015). Collection method: clinical testing. Allele origin: germline. Affected: yes.
Comment: This variant is considered likely benign or benign based on one or more of the following criteria: it is a conservative change, it occurs at a poorly conserved position in the protein, it is predicted to be benign by multiple in silico algorithms, and/or has population frequency not consistent with disease.

Inherited Neuropathy Consortium
Classification: Uncertain significance for Charcot-Marie-Tooth disease. Review status: no assertion criteria provided. Collection method: literature only. Allele origin: germline. Affected: yes. Not counted in ClinVar's aggregate classification.

Literature cited by the submitters: PubMed 22851605 (cited by 4 submitters).